The following is an entry in ClinVar:

ClinVar aggregate classification (germline): Uncertain significance (1 of 4 stars; one submission).

Submission:

Labcorp Genetics (formerly Invitae), Labcorp
Classification: Uncertain significance. Last evaluated: 2022-08-23. Review status: criteria provided, single submitter. Criteria: Invitae Variant Classification Sherloc (09022015). Collection method: clinical testing. Allele origin: germline.
Comment: In summary, the available evidence is currently insufficient to determine the role of this variant in disease. Therefore, it has been classified as a Variant of Uncertain Significance. This variant has not been reported in the literature in individuals affected with MSN-related conditions. This sequence change replaces arginine, which is basic and polar, with proline, which is neutral and non-polar, at codon 435 of the MSN protein (p.Arg435Pro). This variant is not present in population databases (gnomAD no frequency). ClinVar contains an entry for this variant (Variation ID: 1426305). Algorithms developed to predict the effect of missense changes on protein structure and function are either unavailable or do not agree on the potential impact of this missense change (SIFT: "Tolerated"; PolyPhen-2: "Possibly Damaging"; Align-GVGD: "Class C0").

NM_002444.3(MSN):c.1304G>C (p.Arg435Pro)

Gene: MSN (moesin; plus strand). Cytogenetic location: Xq12.
Variant type: single nucleotide variant.
Coding change: c.1304G>C on transcript NM_002444.3 (MANE Select); coding-DNA position 1304, G replaced by C.
Protein change: p.Arg435Pro; replaces arginine 435 with proline.
Molecular consequence: missense variant.
Genome position (GRCh38, 1-based): chrX:65,738,577, G>C. VCF-style: chrX-65738577-G-C. GRCh37 (hg19) VCF-style: chrX-64958439-G-C.
Other names: short protein forms R435P.
Identifiers: ClinVar variation 1426305 (VCV001426305.8), dbSNP rs371555667, ClinGen allele CA413413728.
Genomic context (GRCh38, chrX:65,738,577, plus strand): 5'-ATCCGTAGGCCTTGGAAATGGCAGAGCTGACAGCTCGAATCTCCCAGCTGGAGATGGCCC[G>C]ACAGAAGAAGGAGAGTGAGGCTGTGGAGTGGCAGCAGAAGGTAAGACACAGGGCCTAAAG-3'
Protein context (NP_002435.1, residues 425-445): TARISQLEMA[Arg435Pro]QKKESEAVEW